The following is an entry in ClinVar:

ClinVar aggregate classification (germline): Likely benign (1 of 4 stars; one submission).

Conditions:
Diets-Jongmans syndrome. Also called: INTELLECTUAL DEVELOPMENTAL DISORDER WITH DISTINCTIVE FACIAL DYSMORPHISM. Identifiers: MedGen C5394263, MONDO:0030012, OMIM 618846.

Submission:

Centre for Medical Genetics,  Mumbai
Classification: Likely benign for Diets-Jongmans syndrome. Last evaluated: 2026-02-09. Review status: criteria provided, single submitter. Criteria: ACMG Guidelines, 2015. Collection method: provider interpretation. Allele origin: germline. Inheritance: Autosomal dominant inheritance. Affected: no. Observed: 1 heterozygote.
Comment: The variant satisfies PM2 criteria; Extremely low frequency in gnomAD population databases. The variant satisfies PM4 criteria; Protein length changes resulting from in-frame deletions/insertions in a non-repeat region or a stop-loss variant. However, the variant satisfies the BS-2 criteria.

Literature cited by the submitters: PubMed 30929739.

NM_016604.4(KDM3B):c.818AGA[2] (p.Lys275del)

Gene: KDM3B (lysine demethylase 3B; plus strand). Cytogenetic location: 5q31.2.
Variant type: Microsatellite.
Coding change: c.818AGA[2] on transcript NM_016604.4 (MANE Select); two copies in a row of the 3-base unit AGA starting at c.818; the reference has three copies in a row; one copy, 3 bases deleted; also written c.824_826del.
Protein change: p.Lys275del; deletes lysine 275.
Genome position (GRCh38, 1-based): chr5:138,386,065-138,386,067, AGA deleted; deleting any 3 consecutive bases within chr5:138,386,058-138,386,067 gives the same sequence; the position shown is the placement nearest the transcript's 3' end. VCF-style (leftmost placement, unchanged base first): chr5-138386057-AAAG-A. GRCh37 (hg19) VCF-style: chr5-137721746-AAAG-A.
Other names: c.824_826del (NM_016604.4); short protein forms K275del.
Identifiers: ClinVar variation 4759449 (VCV004759449.1).